The following is an entry in ClinVar:

ClinVar aggregate classification (germline): Pathogenic (1 of 4 stars; one submission).

Conditions:
Polycystic kidney disease, adult type (PKD1). Also called: Polycystic Kidney, Autosomal Dominant; POLYCYSTIC KIDNEY DISEASE 1 WITH OR WITHOUT POLYCYSTIC LIVER DISEASE; POLYCYSTIC KIDNEY DISEASE, ADULT, TYPE I; Polycystic Kidney Disease 1, Autosomal Dominant; Polycystic kidney disease 1; Polycystic kidney disease 1, severe. Identifiers: MedGen C3149841, MONDO:0008263, OMIM 173900.

Submission:

MVZ Medizinische Genetik Mainz
Classification: Pathogenic for Polycystic kidney disease, adult type. Last evaluated: 2024-08-21. Review status: criteria provided, single submitter. Criteria: UK Practice Guidelines For Variant Classification V4 01 2020. Collection method: clinical testing. Allele origin: germline. Inheritance: Autosomal dominant inheritance. Affected: yes. Observed: 1 variant allele.
Comment: ACMG Criteria: PVS1,PM2_SUP,PP4

NM_001009944.3(PKD1):c.3121del (p.Ala1041fs)

Gene: PKD1 (polycystin 1, transient receptor potential channel interacting; minus strand). Cytogenetic location: 16p13.3.
Variant type: Deletion.
Coding change: c.3121del on transcript NM_001009944.3 (MANE Select); coding-DNA position 3121, one base deleted (G; older notation c.3121delG).
Protein change: p.Ala1041fs; shifts the reading frame from alanine 1041.
Molecular consequence: frameshift variant.
Genome position (GRCh38, 1-based): chr16:2,112,828, C deleted on the plus strand (G on the coding strand, the reverse complement: PKD1 is on the minus strand); the first of 2 consecutive C bases (chr16:2,112,828-2,112,829); deleting either gives the same sequence. VCF-style (leftmost placement, unchanged base first): chr16-2112827-GC-G. GRCh37 (hg19) VCF-style: chr16-2162828-GC-G.
Other names: c.3121del, p.Ala1041fs (NM_000296.4); short protein forms A1041fs.
Identifiers: ClinVar variation 3342264 (VCV003342264.1).
Genomic context (GRCh38, chr16:2,112,827, plus strand): 5'-ACCGGCCCCCGAGTCACTCACAGGAAGGCCACCTCCACGGCCGAGTCCACCAGCACGCCC[GC>G]CGTCAGTGCTAGCGTGGCATTGGGGGACAGCACGGCCGGCACTGTGGAGACCTGCAGACC-3'